The following is an entry in ClinVar:

NM_020937.4(FANCM):c.4386+2dup

Gene: FANCM (FA complementation group M; plus strand). Cytogenetic location: 14q21.2.
Variant type: Duplication.
Coding change: c.4386+2dup on transcript NM_020937.4 (MANE Select); the canonical splice donor site of the intron after coding-DNA position 4386, one base duplicated (T; older notation c.4386+2dupT).
Molecular consequence: splice donor variant.
Genome position (GRCh38, 1-based): chr14:45,181,707, T duplicated. VCF-style (leftmost placement, unchanged base first): chr14-45181706-G-GT. GRCh37 (hg19) VCF-style: chr14-45650909-G-GT.
Other names: c.4308+2dup (NM_001308133.2).
Identifiers: ClinVar variation 950509 (VCV000950509.9), dbSNP rs1889085424, ClinGen allele CA1139663463.

ClinVar aggregate classification (germline): Uncertain significance. Review status: criteria provided, multiple submitters, no conflicts (2 of 4 stars). 2 submissions from 2 submitters: Uncertain significance (2). Last evaluated 2024-02-04.

Conditions:
Fanconi anemia (FA). Also called: Fanconi's anemia. Identifiers: Orphanet 84, MedGen C0015625, MeSH D005199, MONDO:0019391.

Submissions (2):

Labcorp Genetics (formerly Invitae), Labcorp
Classification: Uncertain significance for Fanconi anemia. Last evaluated: 2024-02-04. Review status: criteria provided, single submitter. Criteria: Invitae Variant Classification Sherloc (09022015). Collection method: clinical testing. Allele origin: germline.
Comment: This sequence change falls in intron 16 of the FANCM gene. It does not directly change the encoded amino acid sequence of the FANCM protein. It affects a nucleotide within the consensus splice site. This variant is not present in population databases (gnomAD no frequency). This variant has not been reported in the literature in individuals affected with FANCM-related conditions. ClinVar contains an entry for this variant (Variation ID: 950509). Variants that disrupt the consensus splice site are a relatively common cause of aberrant splicing (PMID: 17576681, 9536098). Algorithms developed to predict the effect of sequence changes on RNA splicing suggest that this variant may disrupt the consensus splice site. In summary, the available evidence is currently insufficient to determine the role of this variant in disease. Therefore, it has been classified as a Variant of Uncertain Significance.

GeneDx
Classification: Uncertain significance. Last evaluated: 2020-06-25. Review status: criteria provided, single submitter. Criteria: GeneDx Variant Classification Process June 2021. Collection method: clinical testing. Allele origin: germline. Affected: yes.
Comment: Not observed in large population cohorts (Lek et al., 2016); Intronic +5 splice site variant in a gene for which loss-of-function is a known mechanism of disease, and both splice predictors and evolutionary conservation support a deleterious effect, although in the absence of functional evidence the actual effect of this sequence change is unknown.; Has not been previously published as pathogenic or benign to our knowledge

Literature cited by the submitters: PubMed 17576681 (cited by Labcorp Genetics (formerly Invitae), Labcorp); PubMed 9536098 (cited by Labcorp Genetics (formerly Invitae), Labcorp).